The following is an entry in ClinVar:

ClinVar aggregate classification (germline): Uncertain significance. Review status: criteria provided, multiple submitters, no conflicts (2 of 4 stars). 2 submissions from 2 submitters: Uncertain significance (2). Last evaluated 2023-07-20.

Conditions:
Connective tissue disorder. Also called: Connective tissue disease. Identifiers: MedGen C0009782, MONDO:0003900.

Submissions (2):

Labcorp Genetics (formerly Invitae), Labcorp
Classification: Uncertain significance. Last evaluated: 2023-07-20. Review status: criteria provided, single submitter. Criteria: Invitae Variant Classification Sherloc (09022015). Collection method: clinical testing. Allele origin: germline.
Comment: In summary, the available evidence is currently insufficient to determine the role of this variant in disease. Therefore, it has been classified as a Variant of Uncertain Significance. Advanced modeling of protein sequence and biophysical properties (such as structural, functional, and spatial information, amino acid conservation, physicochemical variation, residue mobility, and thermodynamic stability) performed at Invitae indicates that this missense variant is not expected to disrupt COL11A2 protein function. ClinVar contains an entry for this variant (Variation ID: 1702446). This variant has not been reported in the literature in individuals affected with COL11A2-related conditions. This sequence change replaces proline, which is neutral and non-polar, with serine, which is neutral and polar, at codon 524 of the COL11A2 protein (p.Pro524Ser). This variant is not present in population databases (gnomAD no frequency).

Genome Diagnostics Laboratory, The Hospital for Sick Children
Classification: Uncertain significance for Connective tissue disorder. Last evaluated: 2019-12-01. Review status: criteria provided, single submitter. Criteria: ACMG Guidelines, 2015. Collection method: clinical testing. Allele origin: germline.

NM_080680.3(COL11A2):c.1570C>T (p.Pro524Ser)

Gene: COL11A2 (collagen type XI alpha 2 chain; minus strand). Cytogenetic location: 6p21.32.
Variant type: single nucleotide variant.
Coding change: c.1570C>T on transcript NM_080680.3 (MANE Select); coding-DNA position 1570, C replaced by T.
Protein change: p.Pro524Ser; replaces proline 524 with serine.
Molecular consequence: missense variant.
Genome position (GRCh38, 1-based): chr6:33,179,114, G>A on the plus strand (C>T on the coding strand, the complement: COL11A2 is on the minus strand). VCF-style: chr6-33179114-G-A. GRCh37 (hg19) VCF-style: chr6-33146891-G-A.
Other names: c.1249C>T, p.Pro417Ser (NM_080679.3); c.1312C>T, p.Pro438Ser (NM_080681.3); short protein forms P417S, P438S, P524S.
Identifiers: ClinVar variation 1702446 (VCV001702446.6), dbSNP rs2150579159, ClinGen allele CA363605458.
Genomic context (GRCh38, chr6:33,179,114, plus strand): 5'-CCACCCCTGGGGCACTCACCCTTCGCCCAGCCTTGCCAGGAGGGCCTGTGAGGCCCTGAG[G>A]TCCTCTGGGGCCCTGGTGAGAGGAGAGATGGGGTGGGGTTAGGAGGCATAGGGAGGGGAG-3'
Protein context (NP_542411.2, residues 514-534): GDLGPQGPRG[Pro524Ser]QGLTGPPGKA